The following is an entry in ClinVar:

NM_002585.4(PBX1):c.850T>A (p.Phe284Ile)

Gene: PBX1 (PBX homeobox 1; plus strand). Cytogenetic location: 1q23.3.
Variant type: single nucleotide variant.
Coding change: c.850T>A on transcript NM_002585.4 (MANE Select); coding-DNA position 850, T replaced by A.
Protein change: p.Phe284Ile; replaces phenylalanine 284 with isoleucine.
Molecular consequence: missense variant.
Genome position (GRCh38, 1-based): chr1:164,812,002, T>A. VCF-style: chr1-164812002-T-A. GRCh37 (hg19) VCF-style: chr1-164781239-T-A.
Other names: c.601T>A, p.Phe201Ile (NM_001353130.1); c.850T>A, p.Phe284Ile (NM_001353131.2, NM_001204961.2, NM_001204963.2); short protein forms F201I, F284I.
Identifiers: ClinVar variation 4073619 (VCV004073619.1).

ClinVar aggregate classification (germline): Likely pathogenic (0 of 4 stars; one submission).

Conditions:
coracoclavicular ankylosis.

Submission:

Division of Medical Genetics, Kanagawa Children s Medical Center
Classification: Likely pathogenic for coracoclavicular ankylosis. Last evaluated: 2025-07-08. Review status: no assertion criteria provided. Collection method: research. Allele origin: de novo. Affected: yes. Observed: 1 heterozygote.
Comment: The NM_002585.4 c.850T>A, p.(Phe284Ile) is a missense variant in PBX1, that has never been reported. The variant has been identified as a de novo occurrence (PS2). The Phe284 is a highly conserved residue located within the homeobox domain of PBX1 (PM1). The p.(Phe284Ile) variant is not found in the Genome Aggregation Database v4.1.0 (PM2). Several predictive values including REVEL, CADD, AlphaMissense revealed high scores (PP3). In summary, this variant meets criteria to be classified as likely pathogenic for PBX1 related skeletal disorder based on the ACMG/AMP criteria: PS2, PM1, PM2, PP3.